The following is an entry in ClinVar:

NM_005676.5(RBM10):c.2236G>C (p.Gly746Arg)

Gene: RBM10 (RNA binding motif protein 10; plus strand). Cytogenetic location: Xp11.3.
Variant type: single nucleotide variant.
Coding change: c.2236G>C on transcript NM_005676.5 (MANE Select); coding-DNA position 2236, G replaced by C.
Protein change: p.Gly746Arg; replaces glycine 746 with arginine.
Molecular consequence: missense variant.
Genome position (GRCh38, 1-based): chrX:47,185,511, G>C. VCF-style: chrX-47185511-G-C. GRCh37 (hg19) VCF-style: chrX-47044910-G-C.
Other names: c.2005G>C, p.Gly669Arg (NM_001204466.2); c.2233G>C, p.Gly745Arg (NM_001204467.2); c.2431G>C, p.Gly811Arg (NM_001204468.2); c.2428G>C, p.Gly810Arg (NM_001440861.1); c.2200G>C, p.Gly734Arg (NM_001440862.1); c.2197G>C, p.Gly733Arg (NM_001440863.1); c.2002G>C, p.Gly668Arg (NM_152856.3); short protein forms G668R, G669R, G733R, G734R, G745R, G746R, G810R, G811R.
Identifiers: ClinVar variation 4282232 (VCV004282232.1).

ClinVar aggregate classification (germline): Uncertain significance (1 of 4 stars; one submission).

Submission:

GeneDx
Classification: Uncertain significance. Last evaluated: 2025-04-18. Review status: criteria provided, single submitter. Criteria: GeneDx Variant Classification Process June 2021. Collection method: clinical testing. Allele origin: germline. Affected: yes.
Comment: Not observed at significant frequency in large population cohorts (gnomAD); In silico analysis supports that this missense variant has a deleterious effect on protein structure/function; Has not been previously published as pathogenic or benign to our knowledge